The following is an entry in ClinVar:

ClinVar aggregate classification (germline): Pathogenic/Likely pathogenic. Review status: criteria provided, multiple submitters, no conflicts (2 of 4 stars). 2 submissions from 2 submitters: Pathogenic (1); Likely pathogenic (1). Last evaluated 2021-07-29.

Conditions:
Emery-Dreifuss muscular dystrophy (EDMD). Also called: Scapuloperoneal syndrome, X-linked (formerly); Humeroperoneal neuromuscular disease, (formerly). Identifiers: Orphanet 261, MedGen C0410189, MONDO:0016830.
X-linked Emery-Dreifuss muscular dystrophy. Also called: Muscular dystrophy, tardive Emery-Dreifuss type, with contractures. Identifiers: Orphanet 261, Orphanet 98863, MedGen C0751337, MONDO:0010680.

Submissions (2):

Women's Health and Genetics/Laboratory Corporation of America, LabCorp
Classification: Likely pathogenic for Emery-Dreifuss muscular dystrophy. Last evaluated: 2021-07-29. Review status: criteria provided, single submitter. Criteria: LabCorp Variant Classification Summary - May 2015. Collection method: clinical testing. Allele origin: germline.
Comment: Variant summary: EMD c.135dupG (p.Arg46AlafsX15) results in a premature termination codon, predicted to cause a truncation of the encoded protein or absence of the protein due to nonsense mediated decay, which are commonly known mechanisms for disease. The variant was absent in 172063 control chromosomes (gnomAD). To our knowledge, no occurrence of c.135dupG in individuals affected with Emery-Dreifuss Muscular Dystrophy and no experimental evidence demonstrating its impact on protein function have been reported. One ClinVar submitter (evaluation after 2014) cites the variant as pathogenic. Based on the evidence outlined above, the variant was classified as likely pathogenic.

Labcorp Genetics (formerly Invitae), Labcorp
Classification: Pathogenic for X-linked Emery-Dreifuss muscular dystrophy. Last evaluated: 2018-07-31. Review status: criteria provided, single submitter. Criteria: Invitae Variant Classification Sherloc (09022015). Collection method: clinical testing. Allele origin: germline.
Comment: This sequence change creates a premature translational stop signal (p.Arg46Alafs*15) in the EMD gene. It is expected to result in an absent or disrupted protein product. This variant is not present in population databases (ExAC no frequency). This variant has not been reported in the literature in individuals with EMD-related disease. Loss-of-function variants in EMD are known to be pathogenic (PMID: 24365856). For these reasons, this variant has been classified as Pathogenic.

Literature cited by the submitters: PubMed 24365856 (cited by Labcorp Genetics (formerly Invitae), Labcorp).

NM_000117.3(EMD):c.135dup (p.Arg46fs)

Gene: EMD (emerin; plus strand). Cytogenetic location: Xq28.
Variant type: Duplication.
Coding change: c.135dup on transcript NM_000117.3 (MANE Select); coding-DNA position 135, one base duplicated (G; older notation c.135dupG).
Protein change: p.Arg46fs; shifts the reading frame from arginine 46.
Molecular consequence: frameshift variant.
Genome position (GRCh38, 1-based): chrX:154,379,742, G duplicated; the last of 2 consecutive G bases (chrX:154,379,741-154,379,742); duplicating either gives the same sequence. VCF-style (leftmost placement, unchanged base first): chrX-154379740-A-AG. GRCh37 (hg19) VCF-style: chrX-153608100-A-AG.
Other names: c.135dupG (NM_000117.2); short protein forms R46fs.
Identifiers: ClinVar variation 531731 (VCV000531731.9), dbSNP rs1557182301, ClinGen allele CA658799911.